The following is an entry in ClinVar:

NM_016111.4(TELO2):c.946C>T (p.Gln316Ter)

Gene: TELO2 (telomere maintenance 2; plus strand). Cytogenetic location: 16p13.3.
Variant type: single nucleotide variant.
Coding change: c.946C>T on transcript NM_016111.4 (MANE Select); coding-DNA position 946, C replaced by T.
Protein change: p.Gln316Ter; replaces glutamine 316 with a stop codon.
Molecular consequence: nonsense.
Genome position (GRCh38, 1-based): chr16:1,500,108, C>T. VCF-style: chr16-1500108-C-T. GRCh37 (hg19) VCF-style: chr16-1550109-C-T.
Other names: c.946C>T, p.Gln316Ter (NM_001351846.2); short protein forms Q316*.
Identifiers: ClinVar variation 3367131 (VCV003367131.1).

ClinVar aggregate classification (germline): Likely pathogenic (1 of 4 stars; one submission).

Conditions:
TELO2-related intellectual disability-neurodevelopmental disorder. Also called: You-Hoover-Fong syndrome. Identifiers: Orphanet 488642, MedGen C4310778, MONDO:0014848, OMIM 616954.

Submission:

Neuberg Centre For Genomic Medicine, NCGM
Classification: Likely pathogenic for TELO2-related intellectual disability-neurodevelopmental disorder. Last evaluated: 2023-05-20. Review status: criteria provided, single submitter. Criteria: ACMG Guidelines, 2015. Collection method: clinical testing. Allele origin: germline. Inheritance: Autosomal recessive inheritance. Affected: yes.
Comment: The observed stop gained variant c.946C>T (p.Gln316Ter) in the TELO2 gene has not been reported previously as a pathogenic variant nor as a benign variant, to our knowledge. This variant is absent in the gnomAD Exomes. This variant is predicted to cause loss of normal protein function either through protein truncation or nonsense-mediated mRNA decay. Loss of function variants have been previously reported to be disease causing (You J, et al., 2016). Computational evidence (MutationTaster - Disease causing) predicts damaging effect on protein structure and function for this variant. For these reasons, this variant has been classified as Likely Pathogenic. In the absence of another reportable variant, the molecular diagnosis is not confirmed.